The following is an entry in ClinVar:

NM_001099922.3(ALG13):c.1349T>C (p.Met450Thr)

Gene: ALG13 (ALG13 UDP-N-acetylglucosaminyltransferase subunit; plus strand). Cytogenetic location: Xq23.
Variant type: single nucleotide variant.
Coding change: c.1349T>C on transcript NM_001099922.3 (MANE Select); coding-DNA position 1349, T replaced by C.
Protein change: p.Met450Thr; replaces methionine 450 with threonine.
Molecular consequence: missense variant. On other transcripts: intron variant (1).
Genome position (GRCh38, 1-based): chrX:111,721,625, T>C. VCF-style: chrX-111721625-T-C. GRCh37 (hg19) VCF-style: chrX-110964853-T-C.
Other names: c.1037T>C, p.Met346Thr (NM_001257230.2, NM_001257234.2, NM_001257237.2); c.1115T>C, p.Met372Thr (NM_001257231.2); c.1349T>C, p.Met450Thr (NM_001324292.2); c.1014+1455T>C (NM_001324293.1); short protein forms M450T, M346T, M372T.
Identifiers: ClinVar variation 389527 (VCV000389527.3), dbSNP rs1057523457, ClinGen allele CA16609115.
Genomic context (GRCh38, chrX:111,721,625, plus strand): 5'-AGGATTGTGAGTTTGTAGCATGATTATTTTTGTTTTAGTCTCCAGAAAATCCATCAAAGA[T>C]GCCCTTCCCCTATAAGGTGCTCAAAGCCCTGGATCCAGAAATCTATCGTAATGTAGAATT-3'
Protein context (NP_001093392.1, residues 440-460): ETKSPENPSK[Met450Thr]PFPYKVLKAL

ClinVar aggregate classification (germline): Uncertain significance (1 of 4 stars; one submission).

Allele frequency attached by ClinVar (database versions not stated): gnomAD exomes below 0.00001 and 0.00001; TOPMed 0.00001.
gnomAD v4.1: 2 of 1,193,977 alleles (0.00017%); highest among the groups gnomAD compares: Admixed American, 0.0044%; no homozygotes.

Submission:

GeneDx
Classification: Uncertain significance. Last evaluated: 2026-02-04. Review status: criteria provided, single submitter. Criteria: GeneDx Variant Classification Process June 2021. Collection method: clinical testing. Allele origin: germline. Affected: yes.
Comment: In silico analysis supports that this missense variant has a deleterious effect on protein structure/function; Has not been previously published as pathogenic or benign to our knowledge; This variant is associated with the following publications: (PMID: 30019023)